The following is an entry in ClinVar:

ClinVar aggregate classification (germline): Uncertain significance (1 of 4 stars; one submission).

Allele frequency attached by ClinVar (database versions not stated): gnomAD exomes below 0.00001.
gnomAD v4.1: 1 of 1,613,976 alleles (0.000062%); highest among the groups gnomAD compares: African/African-American, 0.0013%; no homozygotes.

Submission:

GeneDx
Classification: Uncertain significance. Last evaluated: 2022-07-11. Review status: criteria provided, single submitter. Criteria: GeneDx Variant Classification Process June 2021. Collection method: clinical testing. Allele origin: germline. Affected: yes.
Comment: Not observed at significant frequency in large population cohorts (gnomAD); In silico analysis supports that this missense variant has a deleterious effect on protein structure/function; Has not been previously published as pathogenic or benign to our knowledge

NM_001394998.1(TANC2):c.1222A>C (p.Ser408Arg)

Gene: TANC2 (tetratricopeptide repeat, ankyrin repeat and coiled-coil containing 2; plus strand). Cytogenetic location: 17q23.3.
Variant type: single nucleotide variant.
Coding change: c.1222A>C on transcript NM_001394998.1 (MANE Select); coding-DNA position 1222, A replaced by C.
Protein change: p.Ser408Arg; replaces serine 408 with arginine.
Molecular consequence: missense variant.
Genome position (GRCh38, 1-based): chr17:63,314,450, A>C. VCF-style: chr17-63314450-A-C. GRCh37 (hg19) VCF-style: chr17-61391811-A-C.
Other names: c.1000A>C, p.Ser334Arg (NM_001411076.1, NM_025185.4); short protein forms S334R, S408R.
Identifiers: ClinVar variation 1878725 (VCV001878725.1), dbSNP rs2509885227, ClinGen allele CA400794442.